The following is an entry in ClinVar:

NM_170601.5(SIAE):c.1367T>G (p.Met456Arg)

Gene: SIAE (sialic acid acetylesterase; minus strand). Cytogenetic location: 11q24.2.
Variant type: single nucleotide variant.
Coding change: c.1367T>G on transcript NM_170601.5 (MANE Select); coding-DNA position 1367, T replaced by G.
Protein change: p.Met456Arg; replaces methionine 456 with arginine.
Molecular consequence: missense variant.
Genome position (GRCh38, 1-based): chr11:124,637,156, A>C on the plus strand (T>G on the coding strand, the complement: SIAE is on the minus strand). VCF-style: chr11-124637156-A-C. GRCh37 (hg19) VCF-style: chr11-124507052-A-C.
Other names: c.1262T>G, p.Met421Arg (NM_001199922.2); c.1367T>G (NM_170601.4); short protein forms M421R, M456R.
Identifiers: ClinVar variation 2200014 (VCV002200014.5), dbSNP rs201702369, ClinGen allele CA6341192.

ClinVar aggregate classification (germline): Uncertain significance. Review status: criteria provided, multiple submitters, no conflicts (2 of 4 stars). 2 submissions from 2 submitters: Uncertain significance (2). Last evaluated 2026-01-09.

Allele frequency attached by ClinVar (database versions not stated): gnomAD 0.00005; 1000 Genomes Project 0.00020; 1000 Genomes Project 30x 0.00031.
gnomAD v4.1: 18 of 1,614,216 alleles (0.0011%); highest among the groups gnomAD compares: African/African-American, 0.015%; no homozygotes.

Submissions (2):

Labcorp Genetics (formerly Invitae), Labcorp
Classification: Uncertain significance. Last evaluated: 2026-01-09. Review status: criteria provided, single submitter. Criteria: Invitae Variant Classification Sherloc (09022015). Collection method: clinical testing. Allele origin: germline.
Comment: This sequence change replaces methionine, which is neutral and non-polar, with arginine, which is basic and polar, at codon 456 of the SIAE protein (p.Met456Arg). This variant is present in population databases (rs201702369, gnomAD 0.04%). This variant has not been reported in the literature in individuals affected with SIAE-related conditions. ClinVar contains an entry for this variant (Variation ID: 2200014). An algorithm developed to predict the effect of missense changes on protein structure and function (PolyPhen-2) suggests that this variant is likely to be tolerated. In summary, the available evidence is currently insufficient to determine the role of this variant in disease. Therefore, it has been classified as a Variant of Uncertain Significance.

Ambry Genetics
Classification: Uncertain significance. Last evaluated: 2025-06-10. Review status: criteria provided, single submitter. Criteria: Ambry Variant Classification Scheme 2023. Collection method: clinical testing. Allele origin: germline.